The following is an entry in ClinVar:

NM_024529.5(CDC73):c.646G>C (p.Ala216Pro)

Gene: CDC73 (cell division cycle 73; plus strand). Cytogenetic location: 1q31.2.
Variant type: single nucleotide variant.
Coding change: c.646G>C on transcript NM_024529.5 (MANE Select); coding-DNA position 646, G replaced by C.
Protein change: p.Ala216Pro; replaces alanine 216 with proline.
Molecular consequence: missense variant.
Genome position (GRCh38, 1-based): chr1:193,141,983, G>C. VCF-style: chr1-193141983-G-C. GRCh37 (hg19) VCF-style: chr1-193111113-G-C.
Other names: short protein forms A216P.
Identifiers: ClinVar variation 2118972 (VCV002118972.4), dbSNP rs2103126286, ClinGen allele CA343962667.

ClinVar aggregate classification (germline): Uncertain significance (1 of 4 stars; one submission).

Conditions:
Parathyroid carcinoma (PRTC). Also called: CDC73-Related Parathyroid Carcinoma; Parathyroid gland carcinoma. Identifiers: Orphanet 143, MedGen C0687150, MONDO:0012004, OMIM 608266, HP:0006780.

Submission:

Labcorp Genetics (formerly Invitae), Labcorp
Classification: Uncertain significance for Parathyroid carcinoma. Last evaluated: 2022-03-28. Review status: criteria provided, single submitter. Criteria: Invitae Variant Classification Sherloc (09022015). Collection method: clinical testing. Allele origin: germline.
Comment: This variant has not been reported in the literature in individuals affected with CDC73-related conditions. In summary, the available evidence is currently insufficient to determine the role of this variant in disease. Therefore, it has been classified as a Variant of Uncertain Significance. Algorithms developed to predict the effect of missense changes on protein structure and function are either unavailable or do not agree on the potential impact of this missense change (SIFT: "Tolerated"; PolyPhen-2: "Possibly Damaging"; Align-GVGD: "Class C0"). This variant is not present in population databases (gnomAD no frequency). This sequence change replaces alanine, which is neutral and non-polar, with proline, which is neutral and non-polar, at codon 216 of the CDC73 protein (p.Ala216Pro).